The following is an entry in ClinVar:

NM_170754.4(TNS2):c.3563A>G (p.Gln1188Arg)

Gene: TNS2 (tensin 2; plus strand). Cytogenetic location: 12q13.13.
Variant type: single nucleotide variant.
Coding change: c.3563A>G on transcript NM_170754.4 (MANE Select); coding-DNA position 3563, A replaced by G.
Protein change: p.Gln1188Arg; replaces glutamine 1188 with arginine.
Molecular consequence: missense variant.
Genome position (GRCh38, 1-based): chr12:53,061,929, A>G. VCF-style: chr12-53061929-A-G. GRCh37 (hg19) VCF-style: chr12-53455713-A-G.
Other names: c.3563A>G, p.Gln1188Arg (NM_001416202.1); c.3521A>G, p.Gln1174Arg (NM_001416203.1); c.3590A>G, p.Gln1197Arg (NM_001416204.1); c.3494A>G, p.Gln1165Arg (NM_015319.3); c.3191A>G, p.Gln1064Arg (NM_198316.2); short protein forms Q1188R, Q1198R, Q1064R, Q1165R, Q1174R, Q1197R.
Identifiers: ClinVar variation 2191468 (VCV002191468.6), dbSNP rs200216494, ClinGen allele CA237300304.

ClinVar aggregate classification (germline): Uncertain significance. Review status: criteria provided, multiple submitters, no conflicts (2 of 4 stars). 2 submissions from 2 submitters: Uncertain significance (2). Last evaluated 2025-02-20.

Allele frequency attached by ClinVar (database versions not stated): gnomAD 0.00001; TOPMed 0.00001; gnomAD exomes 0.00002.
gnomAD v4.1: 34 of 1,612,000 alleles (0.0021%); highest among the groups gnomAD compares: Middle Eastern, 0.35%; no homozygotes.

Submissions (2):

Ambry Genetics
Classification: Uncertain significance. Last evaluated: 2025-02-20. Review status: criteria provided, single submitter. Criteria: Ambry Variant Classification Scheme 2023. Collection method: clinical testing. Allele origin: germline.

Labcorp Genetics (formerly Invitae), Labcorp
Classification: Uncertain significance. Last evaluated: 2022-10-24. Review status: criteria provided, single submitter. Criteria: Invitae Variant Classification Sherloc (09022015). Collection method: clinical testing. Allele origin: germline.
Comment: In summary, the available evidence is currently insufficient to determine the role of this variant in disease. Therefore, it has been classified as a Variant of Uncertain Significance. Algorithms developed to predict the effect of missense changes on protein structure and function are either unavailable or do not agree on the potential impact of this missense change (SIFT: "Tolerated"; PolyPhen-2: "Possibly Damaging"; Align-GVGD: "Class C0"). This variant has not been reported in the literature in individuals affected with TNS2-related conditions. The frequency data for this variant in the population databases is considered unreliable, as metrics indicate poor data quality at this position in the gnomAD database. This sequence change replaces glutamine, which is neutral and polar, with arginine, which is basic and polar, at codon 1198 of the TNS2 protein (p.Gln1198Arg).